The following is an entry in ClinVar:

NM_000138.5(FBN1):c.6418G>A (p.Gly2140Arg)

Gene: FBN1 (fibrillin 1; minus strand). Cytogenetic location: 15q21.1.
Variant type: single nucleotide variant.
Coding change: c.6418G>A on transcript NM_000138.5 (MANE Select); coding-DNA position 6418, G replaced by A.
Protein change: p.Gly2140Arg; replaces glycine 2140 with arginine.
Molecular consequence: missense variant.
Genome position (GRCh38, 1-based): chr15:48,437,039, C>T on the plus strand (G>A on the coding strand, the complement: FBN1 is on the minus strand). VCF-style: chr15-48437039-C-T. GRCh37 (hg19) VCF-style: chr15-48729236-C-T.
Other names: p.G2140R:GGA>AGA; short protein forms G2140R.
Identifiers: ClinVar variation 200083 (VCV000200083.11), dbSNP rs794728249, ClinGen allele CA016435.

ClinVar aggregate classification (germline): Pathogenic/Likely pathogenic. Review status: criteria provided, multiple submitters, no conflicts (2 of 4 stars). 2 submissions from 2 submitters: Pathogenic (1); Likely pathogenic (1). Last evaluated 2026-01-22.

Conditions:
Marfan syndrome (MFS). Also called: Marfan syndrome, classic; FBN1-Related Marfan Syndrome; Marfan syndrome type 1; Marfan's syndrome; MARFAN SYNDROME, TYPE I. Identifiers: Orphanet 284963, Orphanet 558, MedGen C0024796, MONDO:0007947, OMIM 154700.
Familial thoracic aortic aneurysm and aortic dissection (TAAD). Also called: Thoracic aortic aneurysms and dissections. Identifiers: Orphanet 91387, MedGen C4707243, MONDO:0019625.

Submissions (2):

GeneDx
Classification: Likely pathogenic. Last evaluated: 2026-01-22. Review status: criteria provided, single submitter. Criteria: GeneDx Variant Classification Process June 2021. Collection method: clinical testing. Allele origin: germline. Affected: yes.
Comment: Has been identified in an individual with Marfan syndrome (PMID: 25944730); Not observed at significant frequency in large population cohorts (gnomAD); In silico analysis supports that this missense variant has a deleterious effect on protein structure/function; Does not affect a cysteine or calcium-binding residue within an EGF-like domain or a TGF-binding protein domain of the FBN1 gene; cysteine substitutions in the EGF-like domains represent the majority of pathogenic missense changes associated with FBN1-related disorders (PMID: 12938084); This variant is associated with the following publications: (PMID: 25944730, 19802897, 12938084)

Labcorp Genetics (formerly Invitae), Labcorp
Classification: Pathogenic for Marfan syndrome; Familial thoracic aortic aneurysm and aortic dissection. Last evaluated: 2025-12-29. Review status: criteria provided, single submitter. Criteria: Invitae Variant Classification Sherloc (09022015). Collection method: clinical testing. Allele origin: germline.
Comment: This sequence change replaces glycine, which is neutral and non-polar, with arginine, which is basic and polar, at codon 2140 of the FBN1 protein (p.Gly2140Arg). This variant is not present in population databases (gnomAD no frequency). This missense change has been observed in individual(s) with clinical features of Marfan syndrome and Marfan syndrome (PMID: 19802897, 25944730; internal data). In at least one individual the variant was observed to be de novo. ClinVar contains an entry for this variant (Variation ID: 200083). Invitae Evidence Modeling of protein sequence and biophysical properties (such as structural, functional, and spatial information, amino acid conservation, physicochemical variation, residue mobility, and thermodynamic stability) indicates that this missense variant is expected to disrupt FBN1 protein function with a positive predictive value of 95%. For these reasons, this variant has been classified as Pathogenic.

Literature cited by the submitters: PubMed 19802897 (cited by Labcorp Genetics (formerly Invitae), Labcorp); PubMed 25944730 (cited by Labcorp Genetics (formerly Invitae), Labcorp).